The following continues an entry in ClinVar:

NM_000059.4(BRCA2):c.5073dup (p.Trp1692fs)

Gene: BRCA2. ClinVar aggregate classification (germline): Pathogenic. Pathogenic (1).

Submissions 38 to 57 of 57:

HudsonAlpha Institute for Biotechnology
Classification: Pathogenic for Breast-ovarian cancer, familial, susceptibility to, 2. Last evaluated: 2018-07-12. Review status: criteria provided, single submitter. Criteria: ACMG Guidelines, 2015. Collection method: research. Allele origin: maternal. Observed: 1 variant allele. Study: CSER-HudsonAlpha. Not counted in ClinVar's aggregate classification.

Women's Health and Genetics/Laboratory Corporation of America, LabCorp
Classification: Pathogenic for Hereditary breast ovarian cancer syndrome. Last evaluated: 2017-08-10. Review status: criteria provided, single submitter. Criteria: LabCorp Variant Classification Summary - May 2015. Collection method: clinical testing. Allele origin: germline. Not counted in ClinVar's aggregate classification.
Comment: Variant summary: The BRCA2 c.5073dupA (p.Trp1692Metfs) variant results in a premature termination codon, predicted to cause a truncated or absent BRCA2 protein due to nonsense mediated decay, which are commonly known mechanisms for disease. Truncations downstream of this position have been classified as pathogenic by our laboratory (e.g., c.5130_5133delTGTA [p.Tyr1710fs). MutationTaster predicts a damaging outcome for this variant. This variant is absent in 119116 control chromosomes (ExAC). The variant has been found in numerous patients/families with breast and/or ovarian cancer, including a confirmed de novo breast cancer case (Marshall_Clin Genet_2009). In addition, multiple clinical diagnostic laboratories/reputable databases classified this variant as pathogenic. Taken together, this variant is classified as pathogenic.

Department of Medical Genetics, Oslo University Hospital
Classification: Pathogenic for Breast-ovarian cancer, familial, susceptibility to, 2. Last evaluated: 2017-01-03. Review status: criteria provided, single submitter. Criteria: ACMG Guidelines, 2015. Collection method: clinical testing. Allele origin: germline. Affected: yes. Observed: 1 variant allele. Not counted in ClinVar's aggregate classification.

Genetic Services Laboratory, University of Chicago
Classification: Pathogenic for {Breast-ovarian cancer, familial, 2}. Last evaluated: 2016-11-30. Review status: criteria provided, single submitter. Criteria: ACMG Guidelines, 2015. Collection method: clinical testing. Allele origin: germline. Affected: yes. Not counted in ClinVar's aggregate classification.

Consortium of Investigators of Modifiers of BRCA1/2 (CIMBA), c/o University of Cambridge
Classification: Pathogenic for Breast-ovarian cancer, familial, susceptibility to, 2. Last evaluated: 2015-10-02. Review status: criteria provided, single submitter. Criteria: CIMBA Mutation Classification guidelines May 2016. Collection method: clinical testing. Allele origin: germline. Not counted in ClinVar's aggregate classification.

Genesis Genomics
Classification: Pathogenic for Breast-ovarian cancer, familial, susceptibility to, 2. Review status: criteria provided, single submitter. Criteria: ACMG Guidelines, 2015. Collection method: clinical testing. Allele origin: germline. Affected: yes. Observed: 1 variant allele. Not counted in ClinVar's aggregate classification.

Molecular Endocrinology Laboratory, Christian Medical College
Classification: Pathogenic for Breast-ovarian cancer, familial, susceptibility to, 2. Review status: criteria provided, single submitter. Criteria: ACMG Guidelines, 2015. Collection method: clinical testing. Allele origin: germline. Affected: yes. Not counted in ClinVar's aggregate classification.

University Health Network, Familial Cancer Clinic, Princess Margaret Cancer Centre
Classification: Pathogenic for BRCA2-related cancer predisposition. Review status: criteria provided, single submitter. Criteria: ACMG Guidelines, 2015. Collection method: clinical testing. Allele origin: germline. Inheritance: Autosomal dominant inheritance. Affected: yes. Observed: 2 variant alleles. Not counted in ClinVar's aggregate classification.

Laboratory for Genotyping Development, RIKEN
Classification: Pathogenic for Gastric cancer. Last evaluated: 2021-07-01. Review status: no assertion criteria provided. Collection method: research. Allele origin: germline. Not counted in ClinVar's aggregate classification.

CZECANCA consortium
Classification: Pathogenic for Carcinoma of pancreas. Last evaluated: 2021-03-04. Review status: no assertion criteria provided. Collection method: case-control. Allele origin: germline. Affected: yes. Observed: 1 variant allele. Not counted in ClinVar's aggregate classification.

BRCAlab, Lund University
Classification: Pathogenic for Breast-ovarian cancer, familial, susceptibility to, 2. Last evaluated: 2020-03-02. Review status: no assertion criteria provided. Collection method: clinical testing. Allele origin: germline. Affected: yes. Not counted in ClinVar's aggregate classification.

Gharavi Laboratory, Columbia University
Classification: Pathogenic. Last evaluated: 2018-09-16. Review status: no assertion criteria provided. Criteria: ACMG Guidelines, 2015. Collection method: research. Allele origin: germline. Affected: yes. Not counted in ClinVar's aggregate classification.

Counsyl
Classification: Pathogenic for Breast-ovarian cancer, familial 2. Last evaluated: 2014-09-11. Review status: no assertion criteria provided. Collection method: literature only. Allele origin: unknown. Inheritance: Autosomal dominant inheritance. Not counted in ClinVar's aggregate classification.

Research Molecular Genetics Laboratory, Women's College Hospital, University of Toronto
Classification: Pathogenic for Hereditary breast ovarian cancer syndrome. Last evaluated: 2014-01-31. Review status: no assertion criteria provided. Collection method: research. Allele origin: germline. Affected: yes. Study: The Canadian Open Genetics Repository (COGR). Not counted in ClinVar's aggregate classification.

Sharing Clinical Reports Project (SCRP)
Classification: Pathogenic for Breast-ovarian cancer, familial 2. Last evaluated: 2012-10-03. Review status: no assertion criteria provided. Collection method: clinical testing. Allele origin: germline. Not counted in ClinVar's aggregate classification.

Breast Cancer Information Core (BIC) (BRCA2)
Classification: Pathogenic for Breast-ovarian cancer, familial 2. Last evaluated: 2002-05-29. Review status: no assertion criteria provided. Collection method: clinical testing. Allele origin: germline. Affected: yes. Observed: 29 variant alleles. Not counted in ClinVar's aggregate classification.

Clinical Genetics DNA and cytogenetics Diagnostics Lab, Erasmus MC, Erasmus Medical Center
Classification: Pathogenic. Review status: no assertion criteria provided. Collection method: clinical testing. Allele origin: germline. Affected: yes. Study: VKGL Data-share Consensus. Not counted in ClinVar's aggregate classification.

Clinical Genetics Laboratory, Department of Pathology, Netherlands Cancer Institute
Classification: Pathogenic. Review status: no assertion criteria provided. Collection method: clinical testing. Allele origin: germline. Affected: yes. Study: VKGL Data-share Consensus. Not counted in ClinVar's aggregate classification.

Department of Pathology and Laboratory Medicine, Sinai Health System
Classification: Pathogenic for Breast-ovarian cancer, familial, susceptibility to, 2. Review status: no assertion criteria provided. Collection method: clinical testing. Allele origin: unknown. Affected: yes. Study: The Canadian Open Genetics Repository (COGR). Not counted in ClinVar's aggregate classification.
Comment: The BRCA2 p.Trp1692MetfsX3 variant was identified in 10 of 5448 proband chromosomes (frequency: 0.002) from individuals or families with breast and ovarian cancer (Laarabi 2011, Lubinski 2004, Risch 2001, Suter 2004, Ottini 2009, de Juan 2015, Fernandes 2016, Hasmad 2016). It was also found as a de novo change in a patient who developed early onset breast cancer with no strong family history of the disease (Marshall 2009). The variant was identified in the following databases: dbSNP (ID: rs80359480) as "With Pathogenic allele", ClinVar (18x, pathogenic including review by expert panel ENIGMA), Clinvitae, COGR (3x, pathogenic), LOVD 3.0 (23x, affects function), BIC Database (29x, pathogenic), and ARUP Laboratories (pathogenic). The variant was also identified by our laboratory in 4 individuals with breast, ovarian, and pancreatic cancer. The variant was not found in Cosmic, MutDB, UMD-LSDB, or the Zhejiang University Database. The variant was not identified in the control databases: the 1000 Genomes Project, the NHLBI GO Exome Sequencing Project, the Exome Aggregation Consortium (August 8th 2016), or the Genome Aggregation Database (Feb 27, 2017). The c.5073dupA variant is predicted to cause a frameshift, which alters the protein's amino acid sequence beginning at codon 1692 and leads to a premature stop codon at position 1694. This alteration is then predicted to result in a truncated or absent protein and loss of function. Loss of function variants of the BRCA2 gene are an established mechanism of disease in hereditary breast and ovarian cancer and is the type of variant expected to cause the disorder. In summary, based on the above information this variant meets our laboratoryâ€šÃ„Ã´s criteria to be classified as pathogenic.

GeneReviews
No classification provided. Condition: Hereditary breast ovarian cancer syndrome. Review status: no classification provided. Collection method: literature only. Allele origin: germline. Not counted in ClinVar's aggregate classification.
Comment: Founder variant in Amish of Somerset County, Pennsylvania

Literature cited by the submitters: PubMed 20104584 (cited by Labcorp Genetics (formerly Invitae), Labcorp and GeneKor MSA); PubMed 10923033 (cited by Labcorp Genetics (formerly Invitae), Labcorp and GeneKor MSA); PubMed 11179017 (cited by 9 submitters); PubMed 14559878 (cited by 7 submitters); PubMed 16683254 (cited by 7 submitters); PubMed 22144684 (cited by Labcorp Genetics (formerly Invitae), Labcorp and GeneKor MSA); PubMed 25479140 (cited by 6 submitters); PubMed 26787237 (cited by 4 submitters).